The following is an entry in ClinVar:

NM_001042492.3(NF1):c.188del (p.Lys63fs)

Gene: NF1 (neurofibromin 1; plus strand). Cytogenetic location: 17q11.2.
Variant type: Deletion.
Coding change: c.188del on transcript NM_001042492.3 (MANE Select); coding-DNA position 188, one base deleted (A; older notation c.188delA).
Protein change: p.Lys63fs; shifts the reading frame from lysine 63.
Molecular consequence: frameshift variant.
Genome position (GRCh38, 1-based): chr17:31,156,110, A deleted; the last of 3 consecutive A bases (chr17:31,156,108-31,156,110); deleting any one gives the same sequence. VCF-style (leftmost placement, unchanged base first): chr17-31156107-TA-T. GRCh37 (hg19) VCF-style: chr17-29483125-TA-T.
Other names: c.188delA (NM_000267.3); c.188del, p.Lys63fs (NM_001128147.3); c.188delA, p.Lys63Argfs (NM_000267.4); short protein forms K63fs.
Identifiers: ClinVar variation 547563 (VCV000547563.8), dbSNP rs1555604939, ClinGen allele CA658824890.
Genomic context (GRCh38, chr17:31,156,107, plus strand): 5'-GTCTAATCAATATTTCCAAATACAAGTTTTCTTTGGTTATAAGCGGCCTCACTACTATTT[TA>T]AAGAATGTTAACAATATGGTGAGTATTTGGGTTACTGTGTTTTGGGGAATTTGCTTTCTT-3'

ClinVar aggregate classification (germline): Pathogenic/Likely pathogenic. Review status: criteria provided, multiple submitters, no conflicts (2 of 4 stars). 4 submissions from 4 submitters: Pathogenic (2); Likely pathogenic (2). Last evaluated 2025-01-17.

Conditions:
Hereditary cancer-predisposing syndrome. Also called: Neoplastic Syndromes, Hereditary; Hereditary neoplastic syndrome; Tumor predisposition; Hereditary Cancer Syndrome. Identifiers: Orphanet 140162, MedGen C0027672, MeSH D009386, MONDO:0015356.
Cardiovascular phenotype. Identifiers: MedGen CN230736.
Neurofibromatosis, type 1 (NF1). Also called: NEUROFIBROMATOSIS, TYPE I, SOMATIC; VON RECKLINGHAUSEN DISEASE; Peripheral type neurofibromatosis; Neurofibromatosis, type I. Identifiers: Orphanet 636, MedGen C0027831, MONDO:0018975, OMIM 162200. Disease mechanism: loss of function.

Submissions (4):

Ambry Genetics
Classification: Pathogenic for Cardiovascular phenotype; Hereditary cancer-predisposing syndrome. Last evaluated: 2025-01-17. Review status: criteria provided, single submitter. Criteria: Ambry Variant Classification Scheme 2023. Collection method: clinical testing. Allele origin: germline.
Comment: The c.188delA pathogenic variant, located in coding exon 2 of the NF1 gene, results from a deletion of one nucleotide at nucleotide position 188, causing a translational frameshift with a predicted alternate stop codon (p.K63Rfs*6). This alteration is expected to result in loss of function by premature protein truncation or nonsense-mediated mRNA decay. This variant was reported in individual(s) with features consistent with Neurofibromatosis type 1 (Ambry internal data). This variant is considered to be rare based on population cohorts in the Genome Aggregation Database (gnomAD). As such, this alteration is interpreted as a disease-causing mutation.

Genome-Nilou Lab
Classification: Likely pathogenic for Neurofibromatosis, type 1. Last evaluated: 2022-03-15. Review status: criteria provided, single submitter. Criteria: ACMG Guidelines, 2015. Collection method: clinical testing. Allele origin: germline. Affected: no.

Labcorp Genetics (formerly Invitae), Labcorp
Classification: Pathogenic for Neurofibromatosis, type 1. Last evaluated: 2021-11-08. Review status: criteria provided, single submitter. Criteria: Invitae Variant Classification Sherloc (09022015). Collection method: clinical testing. Allele origin: germline.
Comment: This variant is not present in population databases (gnomAD no frequency). This sequence change creates a premature translational stop signal (p.Lys63Argfs*6) in the NF1 gene. It is expected to result in an absent or disrupted protein product. Loss-of-function variants in NF1 are known to be pathogenic (PMID: 10712197, 23913538). This variant has not been reported in the literature in individuals affected with NF1-related conditions. ClinVar contains an entry for this variant (Variation ID: 547563). For these reasons, this variant has been classified as Pathogenic.

Center for Human Genetics, Inc
Classification: Likely pathogenic for Neurofibromatosis, type 1. Last evaluated: 2016-11-01. Review status: criteria provided, single submitter. Criteria: ACMG Guidelines, 2015. Collection method: clinical testing. Allele origin: germline. Affected: yes.

Literature cited by the submitters: PubMed 10712197 (cited by Labcorp Genetics (formerly Invitae), Labcorp); PubMed 23913538 (cited by Labcorp Genetics (formerly Invitae), Labcorp).